The following is an entry in ClinVar:

NM_006517.5(SLC16A2):c.1013C>T (p.Pro338Leu)

Gene: SLC16A2 (solute carrier family 16 member 2; plus strand). Cytogenetic location: Xq13.2.
Variant type: single nucleotide variant.
Coding change: c.1013C>T on transcript NM_006517.5 (MANE Select); coding-DNA position 1013, C replaced by T.
Protein change: p.Pro338Leu; replaces proline 338 with leucine.
Molecular consequence: missense variant.
Genome position (GRCh38, 1-based): chrX:74,524,796, C>T. VCF-style: chrX-74524796-C-T. GRCh37 (hg19) VCF-style: chrX-73744631-C-T.
Other names: short protein forms P338L.
Identifiers: ClinVar variation 3359987 (VCV003359987.4).

ClinVar aggregate classification (germline): Uncertain significance. Review status: criteria provided, multiple submitters, no conflicts (2 of 4 stars). 2 submissions from 2 submitters: Uncertain significance (2). Last evaluated 2025-12-18.

Conditions:
Allan-Herndon-Dudley syndrome (AHDS). Also called: ALLAN-HERNDON SYNDROME; MENTAL RETARDATION AND MUSCULAR ATROPHY; T3 RESISTANCE; TRIIODOTHYRONINE RESISTANCE; Passos-Bueno syndrome. Identifiers: Orphanet 59, MedGen C0795889, MONDO:0010354, OMIM 300523.

Submissions (2):

GeneDx
Classification: Uncertain significance. Last evaluated: 2025-12-18. Review status: criteria provided, single submitter. Criteria: GeneDx Variant Classification Process June 2021. Collection method: clinical testing. Allele origin: germline.
Comment: Not observed at significant frequency in large population cohorts (gnomAD); In silico analysis supports that this missense variant has a deleterious effect on protein structure/function; Has not been previously published as pathogenic or benign to our knowledge

Juno Genomics, Hangzhou Juno Genomics, Inc
Classification: Uncertain significance for Allan-Herndon-Dudley syndrome. Review status: criteria provided, single submitter. Criteria: ACMG Guidelines, 2015. Collection method: clinical testing. Allele origin: germline. Affected: yes.
Comment: Absent from controls (or at extremely low frequency if recessive) in Genome Aggregation Database, Exome Sequencing Project, 1000 Genomes Project, or Exome Aggregation Consortium.;De novo (both maternity and paternity confirmed) in a patient with the disease and no family history.;Patient's phenotype or family history is highly specific for a disease with a single genetic etiology.